The following is an entry in ClinVar:

ClinVar aggregate classification (germline): Uncertain significance. Review status: criteria provided, multiple submitters, no conflicts (2 of 4 stars). 2 submissions from 2 submitters: Uncertain significance (2). Last evaluated 2026-03-08.

Conditions:
Inborn genetic diseases. Identifiers: MedGen C0950123, MeSH D030342.

gnomAD v4.1: 22 of 1,614,006 alleles (0.0014%); highest among the groups gnomAD compares: Non-Finnish European, 0.0019%; no homozygotes.

Submissions (2):

GeneDx
Classification: Uncertain significance. Last evaluated: 2026-03-08. Review status: criteria provided, single submitter. Criteria: GeneDx Variant Classification Process June 2021. Collection method: clinical testing. Allele origin: germline.
Comment: In silico analysis supports that this missense variant has a deleterious effect on protein structure/function; Has not been previously published as pathogenic or benign to our knowledge

Ambry Genetics
Classification: Uncertain significance for Inborn genetic diseases. Last evaluated: 2024-06-17. Review status: criteria provided, single submitter. Criteria: Ambry Variant Classification Scheme 2023. Collection method: clinical testing. Allele origin: germline.

NM_000552.5(VWF):c.3539G>T (p.Gly1180Val)

Gene: VWF (von Willebrand factor; minus strand). Cytogenetic location: 12p13.31.
Variant type: single nucleotide variant.
Coding change: c.3539G>T on transcript NM_000552.5 (MANE Select); coding-DNA position 3539, G replaced by T.
Protein change: p.Gly1180Val; replaces glycine 1180 with valine.
Molecular consequence: missense variant.
Genome position (GRCh38, 1-based): chr12:6,022,035, C>A on the plus strand (G>T on the coding strand, the complement: VWF is on the minus strand). VCF-style: chr12-6022035-C-A. GRCh37 (hg19) VCF-style: chr12-6131201-C-A.
Other names: short protein forms G1180V.
Identifiers: ClinVar variation 3332527 (VCV003332527.2).
Genomic context (GRCh38, chr12:6,022,035, plus strand): 5'-TCACACACTGGACAGTCTTCAGGGTCAACGCAGGTCTGCAAAAGCTCATCCAGGATTTTC[C>A]CTGCAAAAGAAAGCTCTCATTAGGAACCAAAACGCTCCCCTTTCCCACGAGGAAGCCTCA-3'
Protein context (NP_000543.3, residues 1170-1190): VEGCHAHCPP[Gly1180Val]KILDELLQTC